The following is an entry in ClinVar:

NM_003177.7(SYK):c.724G>C (p.Glu242Gln)

Gene: SYK (spleen associated tyrosine kinase; plus strand). Cytogenetic location: 9q22.2.
Variant type: single nucleotide variant.
Coding change: c.724G>C on transcript NM_003177.7 (MANE Select); coding-DNA position 724, G replaced by C.
Protein change: p.Glu242Gln; replaces glutamic acid 242 with glutamine.
Molecular consequence: missense variant.
Genome position (GRCh38, 1-based): chr9:90,864,595, G>C. VCF-style: chr9-90864595-G-C. GRCh37 (hg19) VCF-style: chr9-93626877-G-C.
Other names: c.724G>C, p.Glu242Gln (NM_001135052.4, NM_001174167.3, NM_001174168.3); short protein forms E242Q.
Identifiers: ClinVar variation 2102425 (VCV002102425.4), dbSNP rs1211510060, ClinGen allele CA373798296.

ClinVar aggregate classification (germline): Uncertain significance (1 of 4 stars; one submission).

Submission:

Labcorp Genetics (formerly Invitae), Labcorp
Classification: Uncertain significance. Last evaluated: 2023-07-04. Review status: criteria provided, single submitter. Criteria: Invitae Variant Classification Sherloc (09022015). Collection method: clinical testing. Allele origin: germline.
Comment: This variant is not present in population databases (gnomAD no frequency). This sequence change replaces glutamic acid, which is acidic and polar, with glutamine, which is neutral and polar, at codon 242 of the SYK protein (p.Glu242Gln). This variant has not been reported in the literature in individuals affected with SYK-related conditions. ClinVar contains an entry for this variant (Variation ID: 2102425). An algorithm developed to predict the effect of missense changes on protein structure and function (PolyPhen-2) suggests that this variant is likely to be disruptive. In summary, the available evidence is currently insufficient to determine the role of this variant in disease. Therefore, it has been classified as a Variant of Uncertain Significance.